The following is an entry in ClinVar:

NM_001009996.3(DALRD3):c.1245_1247dup (p.Glu415_Ser416insArg)

Gene: DALRD3 (DALR anticodon binding domain containing 3; minus strand). Cytogenetic location: 3p21.31.
Variant type: Duplication.
Coding change: c.1245_1247dup on transcript NM_001009996.3 (MANE Select); coding-DNA positions 1245 to 1247, 3 bases duplicated (GAG; older notation c.1245_1247dupGAG).
Protein change: p.Glu415_Ser416insArg.
Genome position (GRCh38, 1-based): chr3:49,016,240-49,016,242, CTC duplicated on the plus strand (GAG on the coding strand, the reverse complement: DALRD3 is on the minus strand). VCF-style (leftmost placement, unchanged base first): chr3-49016239-A-ACTC. GRCh37 (hg19) VCF-style: chr3-49053672-A-ACTC.
Other names: c.1245_1247dup, p.Glu415_Ser416insArg (NM_001276405.2); c.744_746dup, p.Glu248_Ser249insArg (NM_018114.6).
Identifiers: ClinVar variation 4847008 (VCV004847008.1).

ClinVar aggregate classification (germline): Uncertain significance (1 of 4 stars; one submission).

Conditions:
Developmental and epileptic encephalopathy, 86. Also called: EPILEPTIC ENCEPHALOPATHY, EARLY INFANTILE, 86. Identifiers: MedGen C5394462, MONDO:0030054, OMIM 618910.

Submission:

Laboratorio de Genetica e Diagnostico Molecular, Hospital Israelita Albert Einstein
Classification: Uncertain significance for Developmental and epileptic encephalopathy, 86. Last evaluated: 2026-01-21. Review status: criteria provided, single submitter. Criteria: ACMG Guidelines, 2015. Collection method: clinical testing. Allele origin: germline. Affected: yes.
Comment: ACMG classification criteria: PM2 supporting, PM4 supporting